The following is an entry in ClinVar:

NM_001134793.2(HYLS1):c.292G>T (p.Val98Leu)

Genes: HYLS1 (HYLS1 centriolar and ciliogenesis associated; plus strand), PUS3 (pseudouridine synthase 3; minus strand). Cytogenetic location: 11q24.2.
Variant type: single nucleotide variant.
Coding change: c.292G>T on transcript NM_001134793.2 (MANE Select); coding-DNA position 292, G replaced by T.
Protein change: p.Val98Leu; replaces valine 98 with leucine.
Molecular consequence: missense variant. On other transcripts: intron variant (2).
Genome position (GRCh38, 1-based): chr11:125,899,660, G>T. VCF-style: chr11-125899660-G-T. GRCh37 (hg19) VCF-style: chr11-125769555-G-T.
Other names: c.292G>T, p.Val98Leu (NM_001377269.1, NM_001377270.1, NM_001424364.1 and 1 more transcripts); c.-247+3510C>A (NM_001271985.2); c.-46-3330C>A (NM_031307.4); short protein forms V98L.
Identifiers: ClinVar variation 2330550 (VCV002330550.2), dbSNP rs74423263, ClinGen allele CA6350688.

ClinVar aggregate classification (germline): Uncertain significance (1 of 4 stars; one submission).

Conditions:
Inborn genetic diseases. Identifiers: MedGen C0950123, MeSH D030342.

Allele frequency attached by ClinVar (database versions not stated): ExAC 0.00002; TOPMed 0.00005; gnomAD 0.00007.
gnomAD v4.1: 149 of 1,614,092 alleles (0.0092%); highest among the groups gnomAD compares: Non-Finnish European, 0.012%; no homozygotes.

Submission:

Ambry Genetics
Classification: Uncertain significance for Inborn genetic diseases. Last evaluated: 2022-06-08. Review status: criteria provided, single submitter. Criteria: Ambry Variant Classification Scheme 2023. Collection method: clinical testing. Allele origin: germline.
Comment: The c.292G>T (p.V98L) alteration is located in exon 4 (coding exon 1) of the HYLS1 gene. This alteration results from a G to T substitution at nucleotide position 292, causing the valine (V) at amino acid position 98 to be replaced by a leucine (L). The p.V98L alteration is predicted to be tolerated by in silico analysis. Based on insufficient or conflicting evidence, the clinical significance of this alteration remains unclear.